The following is an entry in ClinVar:

ClinVar aggregate classification (germline): Uncertain significance. Review status: criteria provided, multiple submitters, no conflicts (2 of 4 stars). 2 submissions from 2 submitters: Uncertain significance (2). Last evaluated 2023-02-15.

Conditions:
Dyskeratosis congenita, autosomal dominant 2. Identifiers: MedGen C3151443, MONDO:0013521, OMIM 613989.
Idiopathic Pulmonary Fibrosis. Also called: Idiopathic fibrosing alveolitis, chronic form; idiopathic fibrosing alveolitis. Identifiers: Orphanet 2032, MedGen C1800706, MeSH D054990, MONDO:0800504.
Dyskeratosis congenita. Identifiers: Orphanet 1775, MedGen C0265965, MONDO:0015780.

Submissions (2):

Ambry Genetics
Classification: Uncertain significance for Dyskeratosis congenita. Last evaluated: 2023-02-15. Review status: criteria provided, single submitter. Criteria: Ambry Variant Classification Scheme 2023. Collection method: clinical testing. Allele origin: germline.
Comment: The p.P627A variant (also known as c.1879C>G), located in coding exon 4 of the TERT gene, results from a C to G substitution at nucleotide position 1879. The proline at codon 627 is replaced by alanine, an amino acid with highly similar properties. This amino acid position is conserved. In addition, this alteration is predicted to be tolerated by in silico analysis. Since supporting evidence is limited at this time, the clinical significance of this alteration remains unclear.

Labcorp Genetics (formerly Invitae), Labcorp
Classification: Uncertain significance for Dyskeratosis congenita, autosomal dominant 2; Idiopathic Pulmonary Fibrosis. Last evaluated: 2021-08-05. Review status: criteria provided, single submitter. Criteria: Invitae Variant Classification Sherloc (09022015). Collection method: clinical testing. Allele origin: germline.
Comment: This variant is not present in population databases (ExAC no frequency). In summary, the available evidence is currently insufficient to determine the role of this variant in disease. Therefore, it has been classified as a Variant of Uncertain Significance. Advanced modeling of protein sequence and biophysical properties (such as structural, functional, and spatial information, amino acid conservation, physicochemical variation, residue mobility, and thermodynamic stability) performed at Invitae indicates that this missense variant is not expected to disrupt TERT protein function. This variant has not been reported in the literature in individuals affected with TERT-related conditions. This sequence change replaces proline with alanine at codon 627 of the TERT protein (p.Pro627Ala). The proline residue is weakly conserved and there is a small physicochemical difference between proline and alanine.

NM_198253.3(TERT):c.1879C>G (p.Pro627Ala)

Gene: TERT (telomerase reverse transcriptase; minus strand). Cytogenetic location: 5p15.33.
Variant type: single nucleotide variant.
Coding change: c.1879C>G on transcript NM_198253.3 (MANE Select); coding-DNA position 1879, C replaced by G.
Protein change: p.Pro627Ala; replaces proline 627 with alanine.
Molecular consequence: missense variant. On other transcripts: non-coding transcript variant (2).
Genome position (GRCh38, 1-based): chr5:1,280,229, G>C on the plus strand (C>G on the coding strand, the complement: TERT is on the minus strand). VCF-style: chr5-1280229-G-C. GRCh37 (hg19) VCF-style: chr5-1280344-G-C.
Other names: c.1879C>G, p.Pro627Ala (NM_001193376.3); c.1879C>G (NM_198253.2); short protein forms P627A.
Identifiers: ClinVar variation 1372594 (VCV001372594.8), dbSNP rs2126644373, ClinGen allele CA359081600.